The following is an entry in ClinVar:

NM_001458.5(FLNC):c.5290A>C (p.Thr1764Pro)

Gene: FLNC (filamin C; plus strand). Cytogenetic location: 7q32.1.
Variant type: single nucleotide variant.
Coding change: c.5290A>C on transcript NM_001458.5 (MANE Select); coding-DNA position 5290, A replaced by C.
Protein change: p.Thr1764Pro; replaces threonine 1764 with proline.
Molecular consequence: missense variant. On other transcripts: intron variant (1).
Genome position (GRCh38, 1-based): chr7:128,850,066, A>C. VCF-style: chr7-128850066-A-C. GRCh37 (hg19) VCF-style: chr7-128490120-A-C.
Other names: c.5200-318A>C (NM_001127487.2); short protein forms T1764P.
Identifiers: ClinVar variation 4812693 (VCV004812693.1).

ClinVar aggregate classification (germline): Uncertain significance (1 of 4 stars; one submission).

Conditions:
Hypertrophic cardiomyopathy 26. Also called: Cardiomyopathy, familial hypertrophic, 26. Identifiers: Orphanet 75249, MedGen C4310749, MONDO:0014883, OMIM 617047.
Myofibrillar myopathy 5. Also called: Filaminopathy (type); FILAMINOPATHY, AUTOSOMAL DOMINANT. Identifiers: Orphanet 171445, MedGen C1836050, MONDO:0012289, OMIM 609524.
Distal myopathy with posterior leg and anterior hand involvement. Also called: WILLIAMS DISTAL MYOPATHY. Identifiers: Orphanet 63273, MedGen C3279722, MONDO:0013550, OMIM 614065.

gnomAD v4.1: 10 of 1,539,080 alleles (0.00065%); highest among the groups gnomAD compares: Non-Finnish European, 0.00087%; no homozygotes.

Submission:

Labcorp Genetics (formerly Invitae), Labcorp
Classification: Uncertain significance for Distal myopathy with posterior leg and anterior hand involvement; Myofibrillar myopathy 5; Hypertrophic cardiomyopathy 26. Last evaluated: 2026-01-30. Review status: criteria provided, single submitter. Criteria: Invitae Variant Classification Sherloc (09022015). Collection method: clinical testing. Allele origin: germline.
Comment: This sequence change replaces threonine, which is neutral and polar, with proline, which is neutral and non-polar, at codon 1764 of the FLNC protein (p.Thr1764Pro). This variant is present in population databases (rs768900175, gnomAD 0.004%). This variant has not been reported in the literature in individuals affected with FLNC-related conditions. An algorithm developed to predict the effect of missense changes on protein structure and function outputs the following: PolyPhen-2: "Benign". The proline amino acid residue is found in multiple mammalian species, which suggests that this missense change does not adversely affect protein function. In summary, the available evidence is currently insufficient to determine the role of this variant in disease. Therefore, it has been classified as a Variant of Uncertain Significance.